The following is an entry in ClinVar:

NM_000460.4(THPO):c.13+1G>C

Gene: THPO (thrombopoietin; minus strand). Cytogenetic location: 3q27.1.
Variant type: single nucleotide variant.
Coding change: c.13+1G>C on transcript NM_000460.4 (MANE Select); the canonical splice donor site of the intron after coding-DNA position 13, G replaced by C.
Molecular consequence: splice donor variant.
Genome position (GRCh38, 1-based): chr3:184,376,246, C>G on the plus strand (G>C on the coding strand, the complement: THPO is on the minus strand). VCF-style: chr3-184376246-C-G. GRCh37 (hg19) VCF-style: chr3-184094034-C-G.
Other names: IVS3, G-C, +1; c.13+1G>C (NM_001290028.1, NM_001290026.1, NM_001290022.1 and 5 more transcripts); c.433+1G>C (NM_001290003.1).
Identifiers: ClinVar variation 9508 (VCV000009508.9), dbSNP rs2108623965, ClinGen allele CA355463440.

ClinVar aggregate classification (germline): Pathogenic/Likely pathogenic. Review status: criteria provided, multiple submitters, no conflicts (2 of 4 stars). 3 submissions from 3 submitters: Pathogenic (1); Likely pathogenic (1). 1 of the submissions does not count toward it. Last evaluated 2023-01-17.

Conditions:
Thrombocythemia 1 (THCYT1). Also called: THROMBOCYTHEMIA, SOMATIC; THROMBOCYTOSIS 1. Identifiers: MedGen C3277671, MONDO:0008554, OMIM 187950.

Submissions (3):

Revvity Omics, Revvity
Classification: Likely pathogenic. Last evaluated: 2023-01-17. Review status: criteria provided, single submitter. Criteria: ACMG Guidelines, 2015. Collection method: clinical testing. Allele origin: germline.

Labcorp Genetics (formerly Invitae), Labcorp
Classification: Pathogenic. Last evaluated: 2022-11-20. Review status: criteria provided, single submitter. Criteria: Invitae Variant Classification Sherloc (09022015). Collection method: clinical testing. Allele origin: germline.
Comment: For these reasons, this variant has been classified as Pathogenic. Algorithms developed to predict the effect of sequence changes on RNA splicing suggest that this variant may disrupt the consensus splice site. ClinVar contains an entry for this variant (Variation ID: 9508). Disruption of this splice site has been observed in individual(s) with hereditary thrombocythemia (PMID: 22453305). It has also been observed to segregate with disease in related individuals. This variant is not present in population databases (gnomAD no frequency). This sequence change affects a donor splice site in intron 2 of the THPO gene. It is expected to disrupt RNA splicing. Variants that disrupt the donor or acceptor splice site typically lead to a loss of protein function (PMID: 16199547), however the current clinical and genetic evidence is not sufficient to establish whether loss-of-function variants in THPO cause disease.

OMIM
Classification: Pathogenic for THROMBOCYTHEMIA 1. Last evaluated: 1998-01-01. Review status: no assertion criteria provided. Collection method: literature only. Allele origin: germline. Not counted in ClinVar's aggregate classification.

Literature cited by the submitters: PubMed 22453305 (cited by Labcorp Genetics (formerly Invitae), Labcorp); PubMed 16199547 (cited by Labcorp Genetics (formerly Invitae), Labcorp); PubMed 9425899 (cited by OMIM); PubMed 22194398 (cited by OMIM); PubMed 32430933 (cited by OMIM).